The following is an entry in ClinVar:

NM_004168.4(SDHA):c.884T>A (p.Phe295Tyr)

Gene: SDHA (succinate dehydrogenase complex flavoprotein subunit A; plus strand). Cytogenetic location: 5p15.33.
Variant type: single nucleotide variant.
Coding change: c.884T>A on transcript NM_004168.4 (MANE Select); coding-DNA position 884, T replaced by A.
Protein change: p.Phe295Tyr; replaces phenylalanine 295 with tyrosine.
Molecular consequence: missense variant.
Genome position (GRCh38, 1-based): chr5:230,989, T>A. VCF-style: chr5-230989-T-A. GRCh37 (hg19) VCF-style: chr5-231104-T-A.
Other names: c.740T>A, p.Phe247Tyr (NM_001294332.2); c.884T>A, p.Phe295Tyr (NM_001330758.2); short protein forms F247Y, F295Y.
Identifiers: ClinVar variation 1040649 (VCV001040649.9), dbSNP rs1735363396, ClinGen allele CA359012051.

ClinVar aggregate classification (germline): Uncertain significance (1 of 4 stars; one submission).

Conditions:
Mitochondrial complex II deficiency, nuclear type 1. Also called: SUCCINATE CoQ REDUCTASE DEFICIENCY. Identifiers: Orphanet 3208, MedGen C5700310, MONDO:0100294, OMIM 252011.
Pheochromocytoma/paraganglioma syndrome 5. Also called: Paragangliomas 5; SDHA-Related Hereditary Paraganglioma-Pheochromocytoma Syndrome. Identifiers: Orphanet 29072, MedGen C3279992, MONDO:0013602, OMIM 614165.

Submission:

Labcorp Genetics (formerly Invitae), Labcorp
Classification: Uncertain significance for Pheochromocytoma/paraganglioma syndrome 5; Mitochondrial complex II deficiency, nuclear type 1. Last evaluated: 2020-05-29. Review status: criteria provided, single submitter. Criteria: Invitae Variant Classification Sherloc (09022015). Collection method: clinical testing. Allele origin: germline.
Comment: In summary, the available evidence is currently insufficient to determine the role of this variant in disease. Therefore, it has been classified as a Variant of Uncertain Significance. Algorithms developed to predict the effect of missense changes on protein structure and function are either unavailable or do not agree on the potential impact of this missense change (SIFT: "Deleterious"; PolyPhen-2: "Probably Damaging"; Align-GVGD: "Class C15"). This variant has not been reported in the literature in individuals with SDHA-related conditions. This variant is not present in population databases (ExAC no frequency). This sequence change replaces phenylalanine with tyrosine at codon 295 of the SDHA protein (p.Phe295Tyr). The phenylalanine residue is highly conserved and there is a small physicochemical difference between phenylalanine and tyrosine.